The following is an entry in ClinVar:

ClinVar aggregate classification (germline): Uncertain significance. Review status: criteria provided, multiple submitters, no conflicts (2 of 4 stars). 4 submissions from 4 submitters: Uncertain significance (4). Last evaluated 2025-07-17.

Conditions:
Tuberous sclerosis 2 (TSC2). Identifiers: Orphanet 805, MedGen C1860707, MONDO:0013199, OMIM 613254.
Hereditary cancer-predisposing syndrome. Also called: Hereditary neoplastic syndrome; Neoplastic Syndromes, Hereditary; Tumor predisposition; Hereditary Cancer Syndrome. Identifiers: Orphanet 140162, MedGen C0027672, MeSH D009386, MONDO:0015356.

Submissions (4):

Labcorp Genetics (formerly Invitae), Labcorp
Classification: Uncertain significance for Tuberous sclerosis 2. Last evaluated: 2025-07-17. Review status: criteria provided, single submitter. Criteria: Invitae Variant Classification Sherloc (09022015). Collection method: clinical testing. Allele origin: germline.
Comment: This sequence change replaces glutamic acid, which is acidic and polar, with lysine, which is basic and polar, at codon 134 of the TSC2 protein (p.Glu134Lys). This variant is not present in population databases (gnomAD no frequency). This variant has not been reported in the literature in individuals affected with TSC2-related conditions. ClinVar contains an entry for this variant (Variation ID: 468058). Invitae Evidence Modeling of protein sequence and biophysical properties (such as structural, functional, and spatial information, amino acid conservation, physicochemical variation, residue mobility, and thermodynamic stability) indicates that this missense variant is not expected to disrupt TSC2 protein function with a negative predictive value of 95%. In summary, the available evidence is currently insufficient to determine the role of this variant in disease. Therefore, it has been classified as a Variant of Uncertain Significance.

Ambry Genetics
Classification: Uncertain significance for Hereditary cancer-predisposing syndrome. Last evaluated: 2025-07-06. Review status: criteria provided, single submitter. Criteria: Ambry Variant Classification Scheme 2023. Collection method: clinical testing. Allele origin: germline.
Comment: The p.E134K variant (also known as c.400G>A), located in coding exon 4 of the TSC2 gene, results from a G to A substitution at nucleotide position 400. The glutamic acid at codon 134 is replaced by lysine, an amino acid with similar properties. This amino acid position is well conserved in available vertebrate species. In addition, the in silico prediction for this alteration is inconclusive. Since supporting evidence is limited at this time, the clinical significance of this alteration remains unclear.

Genome-Nilou Lab
Classification: Uncertain significance for Tuberous sclerosis 2. Last evaluated: 2021-11-07. Review status: criteria provided, single submitter. Criteria: ACMG Guidelines, 2015. Collection method: clinical testing. Allele origin: germline. Affected: no.

Revvity Omics, Revvity
Classification: Uncertain significance for Tuberous sclerosis 2. Last evaluated: 2019-01-03. Review status: criteria provided, single submitter. Criteria: ACMG Guidelines, 2015. Collection method: clinical testing. Allele origin: germline.

NM_000548.5(TSC2):c.400G>A (p.Glu134Lys)

Gene: TSC2 (TSC complex subunit 2; plus strand). Cytogenetic location: 16p13.3.
Variant type: single nucleotide variant.
Coding change: c.400G>A on transcript NM_000548.5 (MANE Select); coding-DNA position 400, G replaced by A.
Protein change: p.Glu134Lys; replaces glutamic acid 134 with lysine.
Molecular consequence: missense variant. On other transcripts: intron variant (1).
Genome position (GRCh38, 1-based): chr16:2,054,359, G>A. VCF-style: chr16-2054359-G-A. GRCh37 (hg19) VCF-style: chr16-2104360-G-A.
Other names: c.400G>A, p.Glu134Lys (NM_001077183.3, NM_001114382.3, NM_001363528.2 and 3 more transcripts); c.289G>A, p.Glu97Lys (NM_001318827.2); c.253G>A, p.Glu85Lys (NM_001318829.2); c.433G>A, p.Glu145Lys (NM_001318832.2); c.-1-1837G>A (NM_001318831.2); short protein forms E134K, E85K, E97K, E145K.
Identifiers: ClinVar variation 468058 (VCV000468058.19), dbSNP rs1555497641, ClinGen allele CA394306969.